The following is an entry in ClinVar:

ClinVar aggregate classification (germline): Benign/Likely benign. Review status: criteria provided, multiple submitters, no conflicts (2 of 4 stars). 5 submissions from 5 submitters: Benign (3); Likely benign (1). 1 of the submissions does not count toward it. Last evaluated 2026-01-27.

Conditions:
Basal cell carcinoma, susceptibility to, 1. Also called: BCC1. Identifiers: MedGen C2751544, MONDO:0011556, OMIM 605462.
Gorlin syndrome. Also called: Nevoid Basal Cell Carcinoma Syndrome; Basal cell nevus syndrome. Identifiers: Orphanet 377, MedGen C0004779, MONDO:0007187.
PTCH2-related disorder. Also called: PTCH2-related condition; PTCH2-related disease.

Allele frequency attached by ClinVar (database versions not stated): TOPMed 0.00062; ExAC 0.00064; gnomAD 0.00066; gnomAD exomes 0.00066 and 0.00073; ESP Exome Variant Server 0.00069; 1000 Genomes Project 0.00080; 1000 Genomes Project 30x 0.00125.
gnomAD v4.1: 1,158 of 1,614,158 alleles (0.072%); highest among the groups gnomAD compares: Admixed American, 0.11%; 1 homozygote.

Submissions (5):

Labcorp Genetics (formerly Invitae), Labcorp
Classification: Benign for Gorlin syndrome. Last evaluated: 2026-01-27. Review status: criteria provided, single submitter. Criteria: Invitae Variant Classification Sherloc (09022015). Collection method: clinical testing. Allele origin: germline.

CeGaT Center for Human Genetics Tuebingen
Classification: Likely benign. Last evaluated: 2025-11-01. Review status: criteria provided, single submitter. Criteria: CeGaT Center For Human Genetics Tuebingen Variant Classification Criteria Version 2. Collection method: clinical testing. Allele origin: germline. Affected: yes. Observed: 8 variant alleles.
Comment: PTCH2: BP4, BP7

KCCC/NGS Laboratory, Kuwait Cancer Control Center
Classification: Benign for Basal cell carcinoma, susceptibility to, 1. Last evaluated: 2023-07-07. Review status: criteria provided, single submitter. Criteria: ACMG Guidelines, 2015. Collection method: clinical testing. Allele origin: germline. Affected: yes.

Breakthrough Genomics
Classification: Benign. Review status: criteria provided, single submitter. Criteria: ACMG Guidelines, 2015. Collection method: not provided. Allele origin: germline. Inheritance: Autosomal recessive inheritance. Affected: yes.

PreventionGenetics, part of Exact Sciences
Classification: Likely benign for PTCH2-related condition. Last evaluated: 2019-09-09. Review status: no assertion criteria provided. Collection method: clinical testing. Allele origin: germline. Not counted in ClinVar's aggregate classification.
Comment: This variant is classified as likely benign based on ACMG/AMP sequence variant interpretation guidelines (Richards et al. 2015 PMID: 25741868, with internal and published modifications).

NM_003738.5(PTCH2):c.1596C>T (p.Ala532=)

Gene: PTCH2 (patched 2; minus strand). Cytogenetic location: 1p34.1.
Variant type: single nucleotide variant.
Coding change: c.1596C>T on transcript NM_003738.5 (MANE Select); coding-DNA position 1596, C replaced by T.
Protein change: p.Ala532=; no amino-acid change (alanine 532 retained).
Molecular consequence: synonymous variant.
Genome position (GRCh38, 1-based): chr1:44,828,409, G>A on the plus strand (C>T on the coding strand, the complement: PTCH2 is on the minus strand). VCF-style: chr1-44828409-G-A. GRCh37 (hg19) VCF-style: chr1-45294081-G-A.
Other names: c.1596C>T, p.Ala532= (NM_001166292.2).
Identifiers: ClinVar variation 415458 (VCV000415458.39), dbSNP rs140921885, ClinGen allele CA823231.